The following is an entry in ClinVar:

NM_000548.5(TSC2):c.2280T>C (p.Thr760=)

Gene: TSC2 (TSC complex subunit 2; plus strand). Cytogenetic location: 16p13.3.
Variant type: single nucleotide variant.
Coding change: c.2280T>C on transcript NM_000548.5 (MANE Select); coding-DNA position 2280, T replaced by C.
Protein change: p.Thr760=; no amino-acid change (threonine 760 retained).
Molecular consequence: synonymous variant.
Genome position (GRCh38, 1-based): chr16:2,072,908, T>C. VCF-style: chr16-2072908-T-C. GRCh37 (hg19) VCF-style: chr16-2122909-T-C.
Other names: c.2280T>C, p.Thr760= (NM_001077183.3, NM_001114382.3, NM_001363528.2 and 3 more transcripts); c.2169T>C, p.Thr723= (NM_001318827.2); c.2133T>C, p.Thr711= (NM_001318829.2); c.1680T>C, p.Thr560= (NM_001318831.2); c.2313T>C, p.Thr771= (NM_001318832.2).
Identifiers: ClinVar variation 1118456 (VCV001118456.12), dbSNP rs2088693411, ClinGen allele CA492952547.
Genomic context (GRCh38, chr16:2,072,908, plus strand): 5'-GCTTTCAGGCCCAAAGACACTGGAGCGGCTCCGAGGCGCCCCAGAAGGCTTCTCCAGAAC[T>C]GACTTGCACCTGGCCGTGGTTCCAGTGCTGACAGCATTAATCTCTTACCATAACTACCTG-3'
Protein context (NP_000539.2, residues 750-770): LRGAPEGFSR[Thr760=]DLHLAVVPVL

ClinVar aggregate classification (germline): Likely benign. Review status: criteria provided, multiple submitters, no conflicts (2 of 4 stars). 3 submissions from 3 submitters: Likely benign (3). Last evaluated 2025-01-27.

Conditions:
Hereditary cancer-predisposing syndrome. Also called: Neoplastic Syndromes, Hereditary; Hereditary Cancer Syndrome; Hereditary neoplastic syndrome; Tumor predisposition. Identifiers: Orphanet 140162, MedGen C0027672, MeSH D009386, MONDO:0015356.
Tuberous sclerosis syndrome (TSC). Also called: Tuberous Sclerosis Complex; Tuberous sclerosis. Identifiers: Orphanet 805, MedGen C0041341, MONDO:0001734.
Tuberous sclerosis 2 (TSC2). Identifiers: Orphanet 805, MedGen C1860707, MONDO:0013199, OMIM 613254.

Allele frequency attached by ClinVar (database versions not stated): TOPMed below 0.00001.
gnomAD v4.1: 6 of 1,613,694 alleles (0.00037%); highest among the groups gnomAD compares: Non-Finnish European, 0.00051%; no homozygotes.

Submissions (3):

Labcorp Genetics (formerly Invitae), Labcorp
Classification: Likely benign for Tuberous sclerosis 2. Last evaluated: 2025-01-27. Review status: criteria provided, single submitter. Criteria: Invitae Variant Classification Sherloc (09022015). Collection method: clinical testing. Allele origin: germline.

All of Us Research Program, National Institutes of Health
Classification: Likely benign for Tuberous sclerosis syndrome. Last evaluated: 2024-07-20. Review status: criteria provided, single submitter. Criteria: ACMG Guidelines, 2015. Collection method: clinical testing. Allele origin: germline. Inheritance: Autosomal dominant inheritance. Observed: 1 variant allele, 1 heterozygote.
Comment: This study involves interpretation of variants in research participants for the purpose of population health screening. Participant phenotype was not available at the time of variant classification. Additional details can be found in publication PMID: 35346344, PMCID: PMC8962531

Ambry Genetics
Classification: Likely benign for Hereditary cancer-predisposing syndrome. Last evaluated: 2022-08-03. Review status: criteria provided, single submitter. Criteria: Ambry Variant Classification Scheme 2023. Collection method: clinical testing. Allele origin: germline.